The following is an entry in ClinVar:

ClinVar aggregate classification (germline): Uncertain significance (1 of 4 stars; one submission).

Submission:

Labcorp Genetics (formerly Invitae), Labcorp
Classification: Uncertain significance. Last evaluated: 2024-03-01. Review status: criteria provided, single submitter. Criteria: Invitae Variant Classification Sherloc (09022015). Collection method: clinical testing. Allele origin: germline.
Comment: This sequence change falls in intron 23 of the PCDH15 gene. It does not directly change the encoded amino acid sequence of the PCDH15 protein. It affects a nucleotide within the consensus splice site. This variant is present in population databases (no rsID available, gnomAD 0.007%). This variant has not been reported in the literature in individuals affected with PCDH15-related conditions. Variants that disrupt the consensus splice site are a relatively common cause of aberrant splicing (PMID: 17576681, 9536098). Algorithms developed to predict the effect of sequence changes on RNA splicing suggest that this variant may disrupt the consensus splice site. In summary, the available evidence is currently insufficient to determine the role of this variant in disease. Therefore, it has been classified as a Variant of Uncertain Significance.

Literature cited by the submitters: PubMed 17576681; PubMed 9536098.

NM_001384140.1(PCDH15):c.3123-3C>A

Gene: PCDH15 (protocadherin related 15; minus strand). Cytogenetic location: 10q21.1.
Variant type: single nucleotide variant.
Coding change: c.3123-3C>A on transcript NM_001384140.1 (MANE Select); 3 bases into the intron before coding-DNA position 3123, C replaced by A.
Molecular consequence: intron variant.
Genome position (GRCh38, 1-based): chr10:53,940,978, G>T on the plus strand (C>A on the coding strand, the complement: PCDH15 is on the minus strand). VCF-style: chr10-53940978-G-T. GRCh37 (hg19) VCF-style: chr10-55700738-G-T.
Other names: c.3123-3C>A (NM_001354420.2, NM_001354429.2, NM_001142772.2 and 4 more transcripts); c.3138-3C>A (NM_001142771.2, NM_001142763.2); c.3144-3C>A (NM_001354411.2); c.3159-3C>A (NM_001142769.3); c.3057-3C>A (NM_001354404.2, NM_001142773.2, NM_001142768.2); c.3012-3C>A (NM_001142767.2); c.2910-3C>A (NM_001142765.2).
Identifiers: ClinVar variation 3675911 (VCV003675911.2).